The following is an entry in ClinVar:

ClinVar aggregate classification (germline): Conflicting classifications of pathogenicity. Review status: criteria provided, conflicting classifications (1 of 4 stars). 5 submissions from 5 submitters: Uncertain significance (3); Likely benign (1). 1 of the submissions does not count toward it. Last evaluated 2025-09-14.

Conditions:
Hereditary breast ovarian cancer syndrome. Also called: Hereditary breast and ovarian cancer syndrome; Hereditary breast and ovarian cancer syndrome (HBOC); BRCA1- and BRCA2-Associated Hereditary Breast and Ovarian Cancer; Breast and ovarian cancer; Hereditary breast and ovarian cancer; Hereditary breast and/or ovarian cancer syndrome. Identifiers: Orphanet 145, MedGen C0677776, MeSH D061325, MONDO:0003582. Disease mechanism: loss of function.
Breast-ovarian cancer, familial, susceptibility to, 1 (BROVCA1). Also called: OVARIAN CANCER, SUSCEPTIBILITY TO; BRCA1 Hereditary Breast and Ovarian Cancer. Identifiers: Orphanet 145, MedGen C2676676, MONDO:0011450, OMIM 604370. Disease mechanism: loss of function.
Hereditary cancer-predisposing syndrome. Also called: Hereditary Cancer Syndrome; Hereditary neoplastic syndrome; Tumor predisposition; Neoplastic Syndromes, Hereditary. Identifiers: Orphanet 140162, MedGen C0027672, MeSH D009386, MONDO:0015356.

Allele frequency attached by ClinVar (database versions not stated): gnomAD exomes below 0.00001; TOPMed 0.00001.
gnomAD v4.1: 3 of 1,614,004 alleles (0.00019%); highest among the groups gnomAD compares: African/African-American, 0.0013%; no homozygotes.

Submissions (5):

Ambry Genetics
Classification: Uncertain significance for Hereditary cancer-predisposing syndrome. Last evaluated: 2025-09-14. Review status: criteria provided, single submitter. Criteria: Ambry Variant Classification Scheme 2023. Collection method: clinical testing. Allele origin: germline.
Comment: The p.S377R variant (also known as c.1131C>A), located in coding exon 9 of the BRCA1 gene, results from a C to A substitution at nucleotide position 1131. The serine at codon 377 is replaced by arginine, an amino acid with dissimilar properties. This amino acid position is not well conserved in available vertebrate species. In addition, this alteration is predicted to be deleterious by in silico analysis. Since supporting evidence is limited at this time, the clinical significance of this alteration remains unclear.

Labcorp Genetics (formerly Invitae), Labcorp
Classification: Uncertain significance for Hereditary breast ovarian cancer syndrome. Last evaluated: 2025-08-10. Review status: criteria provided, single submitter. Criteria: Invitae Variant Classification Sherloc (09022015). Collection method: clinical testing. Allele origin: germline.
Comment: This sequence change replaces serine, which is neutral and polar, with arginine, which is basic and polar, at codon 377 of the BRCA1 protein (p.Ser377Arg). This variant is present in population databases (rs786203434, gnomAD 0.01%). This variant has not been reported in the literature in individuals affected with BRCA1-related conditions. ClinVar contains an entry for this variant (Variation ID: 187050). Invitae Evidence Modeling of protein sequence and biophysical properties (such as structural, functional, and spatial information, amino acid conservation, physicochemical variation, residue mobility, and thermodynamic stability) has been performed for this missense variant. However, the output from this modeling did not meet the statistical confidence thresholds required to predict the impact of this variant on BRCA1 protein function. In summary, the available evidence is currently insufficient to determine the role of this variant in disease. Therefore, it has been classified as a Variant of Uncertain Significance.

Color Diagnostics, LLC DBA Color Health
Classification: Uncertain significance for Hereditary cancer-predisposing syndrome. Last evaluated: 2025-01-07. Review status: criteria provided, single submitter. Criteria: ACMG Guidelines, 2015. Collection method: clinical testing. Allele origin: germline.
Comment: This missense variant replaces serine with arginine at codon 377 of the BRCA1 protein. This variant is located in a cold spot region where missense variants are unlikely to be pathogenic (PMID:31911673). Computational prediction suggests that this variant may have deleterious impact on protein structure and function. To our knowledge, functional studies have not been reported for this variant. This variant has not been reported in individuals affected with BRCA1-related disorders in the literature. This variant has been identified in 2/282552 chromosomes in the general population by the Genome Aggregation Database (gnomAD). The available evidence is insufficient to determine the role of this variant in disease conclusively. Therefore, this variant is classified as a Variant of Uncertain Significance.

University of Washington Department of Laboratory Medicine, University of Washington
Classification: Likely benign for Hereditary cancer-predisposing syndrome. Last evaluated: 2023-03-23. Review status: criteria provided, single submitter. Criteria: Dines et al. (Genet Med. 2020). Collection method: curation. Allele origin: germline.
Comment: Missense variant in a coldspot region where missense variants are very unlikely to be pathogenic (PMID:31911673).

BRCA1 coldspot (exon 11 using historical exon numbering). Reclassification based on statistical prior probability

Counsyl
Classification: Uncertain significance for Breast-ovarian cancer, familial, susceptibility to, 1. Last evaluated: 2016-05-04. Review status: no assertion criteria provided. Collection method: clinical testing. Allele origin: unknown. Not counted in ClinVar's aggregate classification.

Literature cited by the submitters: PubMed 31911673 (cited by Color Diagnostics, LLC DBA Color Health).

NM_007294.4(BRCA1):c.1131C>A (p.Ser377Arg)

Gene: BRCA1 (BRCA1 DNA repair associated; minus strand). Cytogenetic location: 17q21.31.
Variant type: single nucleotide variant.
Coding change: c.1131C>A on transcript NM_007294.4 (MANE Select); coding-DNA position 1131, C replaced by A.
Protein change: p.Ser377Arg; replaces serine 377 with arginine.
Molecular consequence: missense variant. On other transcripts: intron variant (137).
Genome position (GRCh38, 1-based): chr17:43,094,400, G>T on the plus strand (C>A on the coding strand, the complement: BRCA1 is on the minus strand). VCF-style: chr17-43094400-G-T. GRCh37 (hg19) VCF-style: chr17-41246417-G-T.
Other names: c.918C>A, p.Ser306Arg (NM_001407571.1, NM_001407853.1, NM_001407894.1 and 9 more transcripts); c.1131C>A, p.Ser377Arg (NM_001407581.1, NM_001407582.1, NM_001407583.1 and 30 more transcripts); c.1128C>A, p.Ser376Arg (NM_001407587.1, NM_001407590.1, NM_001407591.1 and 22 more transcripts); c.1053C>A, p.Ser351Arg (NM_001407658.1, NM_001407663.1, NM_001407653.1 and 4 more transcripts); c.1050C>A, p.Ser350Arg (NM_001407659.1, NM_001407660.1, NM_001407661.1 and 1 more transcripts); c.1008C>A, p.Ser336Arg (NM_001407664.1, NM_001407665.1, NM_001407666.1 and 19 more transcripts); c.1005C>A, p.Ser335Arg (NM_001407685.1, NM_001407940.1, NM_001407941.1 and 11 more transcripts); c.990C>A, p.Ser330Arg (NM_001407697.1, NM_001407698.1, NM_001407724.1 and 29 more transcripts); and 40 more; short protein forms S377R, S330R, S335R, S249R, S266R, S289R, S306R, S307R.
Identifiers: ClinVar variation 187050 (VCV000187050.25), dbSNP rs786203434, ClinGen allele CA000757.
Genomic context (GRCh38, chr17:43,094,400, plus strand): 5'-GTCATCAGAACCTAACAGTTCATCACTTCTGGAAAACCACTCATTAACTTTCTGAATGCT[G>T]CTATTTAGTGTTATCCAAGGAACATCTTCAGTATCTCTAGGATTCTCTGAGCATGGCAGT-3'
Protein context (NP_009225.1, residues 367-387): TEDVPWITLN[Ser377Arg]SIQKVNEWFS